The following is an entry in ClinVar:

NM_001330.5(CTF1):c.86_88del (p.Gln29_Thr30delinsPro)

Gene: CTF1 (cardiotrophin 1; plus strand). Cytogenetic location: 16p11.2.
Variant type: Deletion.
Coding change: c.86_88del on transcript NM_001330.5 (MANE Select); coding-DNA positions 86 to 88, 3 bases deleted (AGA; older notation c.86_88delAGA).
Protein change: p.Gln29_Thr30delinsPro.
Molecular consequence: inframe indel. On other transcripts: non-coding transcript variant (1).
Genome position (GRCh38, 1-based): chr16:30,899,475-30,899,477, AGA deleted. VCF-style (leftmost placement, unchanged base first): chr16-30899474-CAGA-C. GRCh37 (hg19) VCF-style: chr16-30910795-CAGA-C.
Other names: c.83_85del, p.Gln28_Thr29delinsPro (NM_001142544.3).
Identifiers: ClinVar variation 1440603 (VCV001440603.6), dbSNP rs2055382935, ClinGen allele CA2216791169.
Genomic context (GRCh38, chr16:30,899,474, plus strand): 5'-GAAGACCCCCAGACTGATTCCTCAGTCTCACTTCTTCCCCACTTGGAGGCCAAGATCCGT[CAGA>C]CACACAGCCTTGCGCACCTCCTCACCAAATACGCTGAGCAGCTGCTCCAGGAATATGTGA-3'

ClinVar aggregate classification (germline): Uncertain significance (1 of 4 stars; one submission).

Allele frequency attached by ClinVar (database versions not stated): TOPMed below 0.00001; gnomAD exomes below 0.00001.

Submission:

Labcorp Genetics (formerly Invitae), Labcorp
Classification: Uncertain significance. Last evaluated: 2021-08-05. Review status: criteria provided, single submitter. Criteria: Invitae Variant Classification Sherloc (09022015). Collection method: clinical testing. Allele origin: germline.
Comment: In summary, the available evidence is currently insufficient to determine the role of this variant in disease. Therefore, it has been classified as a Variant of Uncertain Significance. This variant, c.86_88del, is a complex sequence change that results in the deletion of 2 and insertion of 1 amino acid(s) in the CTF1 protein (p.Gln29_Thr30delinsPro). This variant is not present in population databases (ExAC no frequency). This variant has not been reported in the literature in individuals affected with CTF1-related conditions. Experimental studies and prediction algorithms are not available or were not evaluated, and the functional significance of this variant is currently unknown.